The following is an entry in ClinVar:

ClinVar aggregate classification (germline): Conflicting classifications of pathogenicity. Review status: criteria provided, conflicting classifications (1 of 4 stars). 3 submissions from 3 submitters: Uncertain significance (2); Likely benign (1). Last evaluated 2025-06-29.

Allele frequency attached by ClinVar (database versions not stated): gnomAD exomes below 0.00001; TOPMed 0.00002; gnomAD 0.00003 and 0.00004.
gnomAD v4.1: 23 of 1,613,462 alleles (0.0014%); highest among the groups gnomAD compares: African/African-American, 0.0027%; no homozygotes.

Submissions (3):

Labcorp Genetics (formerly Invitae), Labcorp
Classification: Likely benign. Last evaluated: 2025-06-29. Review status: criteria provided, single submitter. Criteria: Invitae Variant Classification Sherloc (09022015). Collection method: clinical testing. Allele origin: germline.

GeneDx
Classification: Uncertain significance. Last evaluated: 2025-04-17. Review status: criteria provided, single submitter. Criteria: GeneDx Variant Classification Process June 2021. Collection method: clinical testing. Allele origin: germline. Affected: yes.
Comment: Not observed at significant frequency in large population cohorts (gnomAD); In silico analysis supports that this missense variant has a deleterious effect on protein structure/function; Not located in the triple helical region, where the majority of pathogenic missense variants occur (HGMD; PMID: 25240749); Identified in a patient with adolescent idiopathic scoliosis (AIS) (PMID: 26566670); This variant is associated with the following publications: (PMID: 25240749, 26566670)

Blueprint Genetics
Classification: Uncertain significance. Last evaluated: 2021-10-05. Review status: criteria provided, single submitter. Criteria: ACMG Guidelines, 2015. Collection method: clinical testing. Allele origin: germline.

NM_001854.4(COL11A1):c.4925C>T (p.Thr1642Ile)

Gene: COL11A1 (collagen type XI alpha 1 chain; minus strand). Cytogenetic location: 1p21.1.
Variant type: single nucleotide variant.
Coding change: c.4925C>T on transcript NM_001854.4 (MANE Select); coding-DNA position 4925, C replaced by T.
Protein change: p.Thr1642Ile; replaces threonine 1642 with isoleucine.
Molecular consequence: missense variant. On other transcripts: non-coding transcript variant (1).
Genome position (GRCh38, 1-based): chr1:102,883,245, G>A on the plus strand (C>T on the coding strand, the complement: COL11A1 is on the minus strand). VCF-style: chr1-102883245-G-A. GRCh37 (hg19) VCF-style: chr1-103348801-G-A.
Other names: c.4925C>T (NM_001854.3); c.4808C>T, p.Thr1603Ile (NM_001190709.2); c.4961C>T, p.Thr1654Ile (NM_080629.3); c.4577C>T, p.Thr1526Ile (NM_080630.4); short protein forms T1603I, T1526I, T1654I, T1642I.
Identifiers: ClinVar variation 1512319 (VCV001512319.8), dbSNP rs1173031118, ClinGen allele CA341211529.